The following is an entry in ClinVar:

ClinVar aggregate classification (germline): Uncertain significance (1 of 4 stars; one submission).

Conditions:
Joubert syndrome 21 (JBTS21). Identifiers: MedGen C3810212, MONDO:0014288, OMIM 615636.

Allele frequency attached by ClinVar (database versions not stated): gnomAD exomes below 0.00001; TOPMed below 0.00001; gnomAD 0.00001.
gnomAD v4.1: 3 of 1,613,196 alleles (0.00019%); highest among the groups gnomAD compares: Non-Finnish European, 0.00025%; no homozygotes.

Submission:

Labcorp Genetics (formerly Invitae), Labcorp
Classification: Uncertain significance for Joubert syndrome 21. Last evaluated: 2022-08-09. Review status: criteria provided, single submitter. Criteria: Invitae Variant Classification Sherloc (09022015). Collection method: clinical testing. Allele origin: germline.
Comment: In summary, the available evidence is currently insufficient to determine the role of this variant in disease. Therefore, it has been classified as a Variant of Uncertain Significance. Algorithms developed to predict the effect of missense changes on protein structure and function are either unavailable or do not agree on the potential impact of this missense change (SIFT: "Deleterious"; PolyPhen-2: "Possibly Damaging"; Align-GVGD: "Class C0"). This variant has not been reported in the literature in individuals affected with CSPP1-related conditions. This variant is not present in population databases (gnomAD no frequency). This sequence change replaces glutamic acid, which is acidic and polar, with glycine, which is neutral and non-polar, at codon 761 of the CSPP1 protein (p.Glu761Gly).

NM_001382391.1(CSPP1):c.2297A>G (p.Glu766Gly)

Gene: CSPP1 (centrosome and spindle pole associated protein 1; plus strand). Cytogenetic location: 8q13.2.
Variant type: single nucleotide variant.
Coding change: c.2297A>G on transcript NM_001382391.1 (MANE Select); coding-DNA position 2297, A replaced by G.
Protein change: p.Glu766Gly; replaces glutamic acid 766 with glycine.
Molecular consequence: missense variant.
Genome position (GRCh38, 1-based): chr8:67,158,502, A>G. VCF-style: chr8-67158502-A-G. GRCh37 (hg19) VCF-style: chr8-68070737-A-G.
Other names: c.1247A>G, p.Glu416Gly (NM_001291339.2); c.2216A>G, p.Glu739Gly (NM_001363131.2); c.2102A>G, p.Glu701Gly (NM_001363132.2); c.2021A>G, p.Glu674Gly (NM_001363133.2); c.2363A>G, p.Glu788Gly (NM_001364869.1); c.2183A>G, p.Glu728Gly (NM_001364870.1); c.2282A>G, p.Glu761Gly (NM_024790.7); short protein forms E788G, E416G, E739G, E761G, E674G, E701G, E728G, E766G.
Identifiers: ClinVar variation 2143195 (VCV002143195.4), dbSNP rs1353186177, ClinGen allele CA371188510.
Genomic context (GRCh38, chr8:67,158,502, plus strand): 5'-TTTAGATTGAGGAAAAGAAACAAAGAGAGGAAGCAGAGCGAGAGAGACTGAGAATTGCAG[A>G]AGAAAAAGAAGAAAGACGGCTTGCAGAACAGAGGGCACGAATTCAGCAGGAGTATGAAGA-3'
Protein context (NP_001369320.1, residues 756-776): EAERERLRIA[Glu766Gly]EKEERRLAEQ